The following is an entry in ClinVar:

ClinVar aggregate classification (germline): drug response (0 of 4 stars; one submission).

Allele frequency attached by ClinVar (database versions not stated): ExAC 0.00020; TOPMed 0.00062; gnomAD exomes 0.00013 and 0.00022; 1000 Genomes Project 0.00120; gnomAD 0.00037; 1000 Genomes Project 30x 0.00125.
gnomAD v4.1: 258 of 1,549,504 alleles (0.017%); highest among the groups gnomAD compares: Admixed American, 0.11%; 5 homozygotes.

Submission:

Center for Pediatric Genomic Medicine, Children's Mercy Hospital and Clinics
Classification: drug response. Review status: no assertion criteria provided. Collection method: not provided. Allele origin: unknown.
Comment: Local ID are assigned based on location in M33388 CYP2D6
ClinVar note: Converted during submission from drug-response to drug response.

NM_000106.6(CYP2D6):c.1319G>A (p.Arg440His)

Gene: CYP2D6 (cytochrome P450 family 2 subfamily D member 6 (gene/pseudogene); minus strand). Cytogenetic location: 22q13.2.
Variant type: single nucleotide variant.
Coding change: c.1319G>A on transcript NM_000106.6 (MANE Select); coding-DNA position 1319, G replaced by A.
Protein change: p.Arg440His; replaces arginine 440 with histidine.
Molecular consequence: missense variant.
Genome position (GRCh38, 1-based): chr22:42,126,749, C>T on the plus strand (G>A on the coding strand, the complement: CYP2D6 is on the minus strand). VCF-style: chr22-42126749-C-T. GRCh37 (hg19) VCF-style: chr22-42522751-C-T.
Other names: c.1166G>A, p.Arg389His (NM_001025161.3); c.1319G>A, p.Arg440His (LRG_303t1); c.1319G>A (NM_000106.5); short protein forms R440H, R389H.
Identifiers: ClinVar variation 183247 (VCV000183247.3), dbSNP rs267608319, ClinGen allele CA235493.